The following is an entry in ClinVar:

NM_001024613.4(FEZF1):c.213C>T (p.Ile71=)

Genes: FEZF1 (FEZ family zinc finger 1; minus strand), FEZF1-AS1 (FEZF1 antisense RNA 1; plus strand). Cytogenetic location: 7q31.32.
Variant type: single nucleotide variant.
Coding change: c.213C>T on transcript NM_001024613.4 (MANE Select); coding-DNA position 213, C replaced by T.
Protein change: p.Ile71=; no amino-acid change (isoleucine 71 retained).
Molecular consequence: synonymous variant. On other transcripts: non-coding transcript variant (1).
Genome position (GRCh38, 1-based): chr7:122,304,225, G>A on the plus strand (C>T on the coding strand, the complement: FEZF1 is on the minus strand). VCF-style: chr7-122304225-G-A. GRCh37 (hg19) VCF-style: chr7-121944279-G-A.
Other names: c.213C>T, p.Ile71= (NM_001160264.3).
Identifiers: ClinVar variation 788360 (VCV000788360.46), dbSNP rs142331989, ClinGen allele CA4459027.

ClinVar aggregate classification (germline): Likely benign. Review status: criteria provided, multiple submitters, no conflicts (2 of 4 stars). 6 submissions from 6 submitters: Likely benign (5). 1 of the submissions does not count toward it. Last evaluated 2026-01-03.

Conditions:
FEZF1-related disorder. Also called: FEZF1-related condition.

Allele frequency attached by ClinVar (database versions not stated): 1000 Genomes Project 0.00060; 1000 Genomes Project 30x 0.00078; ExAC 0.00085; ESP Exome Variant Server 0.00100; gnomAD exomes 0.00106 and 0.00176; gnomAD 0.00113 and 0.00115; TOPMed 0.00131.

Submissions (6):

Labcorp Genetics (formerly Invitae), Labcorp
Classification: Likely benign. Last evaluated: 2026-01-03. Review status: criteria provided, single submitter. Criteria: Invitae Variant Classification Sherloc (09022015). Collection method: clinical testing. Allele origin: germline.

Blueprint Genetics
Classification: Likely benign. Last evaluated: 2024-10-16. Review status: criteria provided, single submitter. Criteria: ACMG Guidelines, 2015. Collection method: clinical testing. Allele origin: germline.

CeGaT Center for Human Genetics Tuebingen
Classification: Likely benign. Last evaluated: 2021-04-01. Review status: criteria provided, single submitter. Criteria: CeGaT Center For Human Genetics Tuebingen Variant Classification Criteria Version 2. Collection method: clinical testing. Allele origin: germline. Affected: yes. Observed: 1 variant allele.

GeneDx
Classification: Likely benign. Last evaluated: 2019-08-21. Review status: criteria provided, single submitter. Criteria: GeneDx Variant Classification Process June 2021. Collection method: clinical testing. Allele origin: germline. Affected: yes.

Breakthrough Genomics
Classification: Likely benign. Review status: criteria provided, single submitter. Criteria: ACMG Guidelines, 2015. Collection method: not provided. Allele origin: germline. Inheritance: Autosomal recessive inheritance. Affected: yes.

PreventionGenetics, part of Exact Sciences
Classification: Likely benign for FEZF1-related condition. Last evaluated: 2024-03-25. Review status: no assertion criteria provided. Collection method: clinical testing. Allele origin: germline. Not counted in ClinVar's aggregate classification.
Comment: This variant is classified as likely benign based on ACMG/AMP sequence variant interpretation guidelines (Richards et al. 2015 PMID: 25741868, with internal and published modifications).